The following is an entry in ClinVar:

ClinVar aggregate classification (germline): Likely benign (1 of 4 stars; one submission).

Conditions:
Acyl-CoA oxidase deficiency. Also called: STRAIGHT-CHAIN ACYL-CoA OXIDASE DEFICIENCY; Pseudoneonatal adrenoleukodystrophy; Peroxisomal acyl-CoA oxidase deficiency. Identifiers: Orphanet 2971, MedGen C1849678, MONDO:0009919, OMIM 264470. Disease mechanism: loss of function.

Allele frequency attached by ClinVar (database versions not stated): gnomAD 0.00210 and 0.00227; TOPMed 0.00249; 1000 Genomes Project 0.00339; 1000 Genomes Project 30x 0.00344.

Submission:

Illumina Laboratory Services, Illumina
Classification: Likely benign for Acyl-CoA oxidase deficiency. Last evaluated: 2018-01-13. Review status: criteria provided, single submitter. Criteria: ICSL Variant Classification Criteria 13 December 2019. Collection method: clinical testing. Allele origin: germline.
Comment: This variant was observed in the ICSL laboratory as part of a predisposition screen in an ostensibly healthy population. It had not been previously curated by ICSL or reported in the Human Gene Mutation Database (HGMD: prior to June 1st, 2018), and was therefore a candidate for classification through an automated scoring system. Utilizing variant allele frequency, disease prevalence and penetrance estimates, and inheritance mode, an automated score was calculated to assess if this variant is too frequent to cause the disease. Based on the score and internal cut-off values, a variant classified as likely benign is not then subjected to further curation. The score for this variant resulted in a classification of likely benign for this disease.

NM_004035.7(ACOX1):c.*3988A>T

Gene: ACOX1 (acyl-CoA oxidase 1; minus strand). Cytogenetic location: 17q25.1.
Variant type: single nucleotide variant.
Coding change: c.*3988A>T on transcript NM_004035.7 (MANE Select); 3988 bases downstream of the stop codon, A replaced by T.
Molecular consequence: 3 prime UTR variant.
Genome position (GRCh38, 1-based): chr17:75,942,760, T>A on the plus strand (A>T on the coding strand, the complement: ACOX1 is on the minus strand). VCF-style: chr17-75942760-T-A. GRCh37 (hg19) VCF-style: chr17-73938841-T-A.
Other names: c.*3988A>T (NM_001185039.2, NM_007292.6).
Identifiers: ClinVar variation 325318 (VCV000325318.5), dbSNP rs149774605, ClinGen allele CA10640627.